The following is an entry in ClinVar:

ClinVar aggregate classification (germline): Likely pathogenic. Review status: criteria provided, multiple submitters, no conflicts (2 of 4 stars). 5 submissions from 5 submitters: Likely pathogenic (5). Last evaluated 2025-06-17.

Conditions:
Finnish congenital nephrotic syndrome (NPHS1). Also called: NEPHROTIC SYNDROME, TYPE 1. Identifiers: Orphanet 839, MedGen C0403399, MONDO:0009732, OMIM 256300.

Allele frequency attached by ClinVar (database versions not stated): gnomAD exomes below 0.00001; gnomAD 0.00001.
gnomAD v4.1: 2 of 1,614,132 alleles (0.00012%); highest among the groups gnomAD compares: Non-Finnish European, 0.00017%; no homozygotes.

Submissions (5):

Variantyx, Inc.
Classification: Likely pathogenic for Finnish congenital nephrotic syndrome. Last evaluated: 2025-06-17. Review status: criteria provided, single submitter. Criteria: Variantyx Assertion Criteria 2022. Collection method: clinical testing. Allele origin: germline. Inheritance: Autosomal recessive inheritance.
Comment: This is an intronic variant in the NPHS1 gene (OMIM: 602716). Pathogenic variants in this gene have been associated with autosomal recessive nephrotic syndrome, type 1. This variant has been shown to disrupt the C-terminal region of the mRNA transcript for the protein. While loss of function is a known disease mechanism for NPHS1 in this disorder, the functional consequence of this variant cannot be predicted with confidence (PMID: 25407002) (PVS1_Strong). Algorithms that predict the potential impact of sequence variants on RNA splicing suggest that this variant has conflicting evidence regarding the effect on splicing. It has a 0.0002% maximum allele frequency in non-founder control populations (PM2). Based on the current evidence, this variant is classified as likely pathogenic for autosomal recessive nephrotic syndrome, type 1.

Natera, Inc.
Classification: Likely pathogenic for Finnish congenital nephrotic syndrome. Last evaluated: 2025-05-21. Review status: criteria provided, single submitter. Criteria: Natera Variant Classification Schema (03/2026). Collection method: clinical testing. Allele origin: germline.
Comment: The c.1930+5G>A variant in NPHS1 is an intronic variant located outside the canonical splice sites. This variant is rare in the general population with a frequency below the threshold expected for the associated phenotype(s). This variant has been identified in one or more affected individual with a phenotype highly consistent with the associated gene (PMID: 25407002). Functional studies show that this variant may disrupt protein function (PMID: 25407002). Computational prediction algorithms indicate this variant is likely to affect gene or protein function. Given the available evidence, this variant is classified as Likely Pathogenic.

Fulgent Genetics
Classification: Likely pathogenic for Finnish congenital nephrotic syndrome. Last evaluated: 2024-05-14. Review status: criteria provided, single submitter. Criteria: ACMG Guidelines, 2015. Collection method: clinical testing. Allele origin: germline.

Women's Health and Genetics/Laboratory Corporation of America, LabCorp
Classification: Likely pathogenic for Finnish congenital nephrotic syndrome. Last evaluated: 2024-05-08. Review status: criteria provided, single submitter. Criteria: LabCorp Variant Classification Summary - May 2015. Collection method: clinical testing. Allele origin: germline.
Comment: Variant summary: NPHS1 c.1930+5G>A alters a conserved nucleotide located close to a canonical splice site and therefore could affect mRNA splicing, leading to a significantly altered protein sequence. Several computational tools predict a significant impact on normal splicing: One predict the variant abolishes a canonical 5' splicing donor site. One predict the variant weakens a canonical 5' donor site. At least one publication reports experimental evidence suggesting that this variant produces a deletion of the last 31 nucleotides of exon 14, resulting in a trucated protein (Bullich_2015) . The variant was absent in 251186 control chromosomes (gnomAD). c.1930+5G>A has been reported in the literature in at least one individual affected with steroid-resistant nephrotic syndrome (Bullich_2015). These data indicate that the variant is likely associated with disease. The following publication has been ascertained in the context of this evaluation (PMID: 25407002). ClinVar contains an entry for this variant (Variation ID: 2677337). Based on the evidence outlined above, the variant was classified as likely pathogenic.

Baylor Genetics
Classification: Likely pathogenic for Finnish congenital nephrotic syndrome. Last evaluated: 2022-02-09. Review status: criteria provided, single submitter. Criteria: ACMG Guidelines, 2015. Collection method: clinical testing. Allele origin: unknown.

Literature cited by the submitters: PubMed 25407002 (cited by 3 submitters).

NM_004646.4(NPHS1):c.1930+5G>A

Gene: NPHS1 (NPHS1 adhesion molecule, nephrin; minus strand). Cytogenetic location: 19q13.12.
Variant type: single nucleotide variant.
Coding change: c.1930+5G>A on transcript NM_004646.4 (MANE Select); 5 bases into the intron after coding-DNA position 1930, G replaced by A.
Molecular consequence: intron variant.
Genome position (GRCh38, 1-based): chr19:35,845,363, C>T on the plus strand (G>A on the coding strand, the complement: NPHS1 is on the minus strand). VCF-style: chr19-35845363-C-T. GRCh37 (hg19) VCF-style: chr19-36336265-C-T.
Other names: c.1930+5G>A (NM_004646.3).
Identifiers: ClinVar variation 2677337 (VCV002677337.5), dbSNP rs1017855149, ClinGen allele CA307783853.